The following is an entry in ClinVar:

NC_000023.11:g.(?_32595747)_(32651077_?)del

Gene: DMD (dystrophin; minus strand). Cytogenetic location: Xp21.1.
Variant type: Deletion.
Identifiers: ClinVar variation 832701 (VCV000832701.1).

ClinVar aggregate classification (germline): Pathogenic (1 of 4 stars; one submission).

Conditions:
Duchenne muscular dystrophy (DMD). Also called: Duchenne Muscular Dystrophy (DMD); MUSCULAR DYSTROPHY, PSEUDOHYPERTROPHIC PROGRESSIVE, DUCHENNE TYPE. Identifiers: Orphanet 98896, MedGen C0013264, MONDO:0010679, OMIM 310200.

Submission:

Labcorp Genetics (formerly Invitae), Labcorp
Classification: Pathogenic for Duchenne muscular dystrophy. Last evaluated: 2020-01-05. Review status: criteria provided, single submitter. Criteria: Invitae Variant Classification Sherloc (09022015). Collection method: clinical testing. Allele origin: germline.
Comment: This variant is an in-frame deletion of the genomic region encompassing 10-13 of the DMD gene. It preserves the integrity of the reading frame. Similar copy number variants have been observed in individual(s) with clinical features of Duchenne muscular dystrophy (PMID: 17561468, 17854090, Invitae). For these reasons, this variant has been classified as Pathogenic.

Literature cited by the submitters: PubMed 17561468; PubMed 17854090.